The following is an entry in ClinVar:

ClinVar aggregate classification (germline): Uncertain significance. Review status: criteria provided, single submitter (1 of 4 stars). 2 submissions from 2 submitters: Uncertain significance (1). 1 of the submissions does not count toward it. Last evaluated 2023-07-14.

Conditions:
Gastric cancer. Also called: Stomach cancer; Malignant tumor of stomach. Identifiers: MedGen C0024623, MeSH D013274, MONDO:0001056, OMIM 613659, HP:0012126.
Hereditary breast ovarian cancer syndrome. Also called: Breast and ovarian cancer; Hereditary breast and ovarian cancer syndrome; Hereditary breast and/or ovarian cancer syndrome; BRCA1- and BRCA2-Associated Hereditary Breast and Ovarian Cancer; Hereditary breast and ovarian cancer; Hereditary breast and ovarian cancer syndrome (HBOC). Identifiers: Orphanet 145, MedGen C0677776, MeSH D061325, MONDO:0003582. Disease mechanism: loss of function.

Submissions (2):

Labcorp Genetics (formerly Invitae), Labcorp
Classification: Uncertain significance for Hereditary breast ovarian cancer syndrome. Last evaluated: 2023-07-14. Review status: criteria provided, single submitter. Criteria: Invitae Variant Classification Sherloc (09022015). Collection method: clinical testing. Allele origin: germline.
Comment: ClinVar contains an entry for this variant (Variation ID: 1584392). In summary, the available evidence is currently insufficient to determine the role of this variant in disease. Therefore, it has been classified as a Variant of Uncertain Significance. This frameshift has been observed in individual(s) with prostate cancer (PMID: 31214711). This variant is not present in population databases (gnomAD no frequency). This sequence change results in a frameshift in the BRCA2 gene (p.Asn3407Serfs*19). While this is not anticipated to result in nonsense mediated decay, it is expected to disrupt the last 12 amino acid(s) of the BRCA2 protein and extend the protein by 6 additional amino acid residues.

Laboratory for Genotyping Development, RIKEN
Classification: Pathogenic for Gastric cancer. Last evaluated: 2021-07-01. Review status: no assertion criteria provided. Collection method: research. Allele origin: germline. Not counted in ClinVar's aggregate classification.

Literature cited by the submitters: PubMed 31214711 (cited by Labcorp Genetics (formerly Invitae), Labcorp); PubMed 36988593 (cited by Laboratory for Genotyping Development, RIKEN).

NM_000059.4(BRCA2):c.10220_10223del (p.Asn3407fs)

Gene: BRCA2 (BRCA2 DNA repair associated; plus strand). Cytogenetic location: 13q13.1.
Variant type: Deletion.
Coding change: c.10220_10223del on transcript NM_000059.4 (MANE Select); coding-DNA positions 10220 to 10223, 4 bases deleted (ATAA; older notation c.10220_10223delATAA).
Protein change: p.Asn3407fs; shifts the reading frame from asparagine 3407.
Molecular consequence: frameshift variant.
Genome position (GRCh38, 1-based): chr13:32,398,733-32,398,736, ATAA deleted; deleting any 4 consecutive bases within chr13:32,398,731-32,398,736 gives the same sequence; the c. name uses the placement nearest the transcript's 3' end. VCF-style (leftmost placement, unchanged base first): chr13-32398730-AAAAT-A. GRCh37 (hg19) VCF-style: chr13-32972867-AAAAT-A.
Other names: short protein forms N3407fs.
Identifiers: ClinVar variation 1584392 (VCV001584392.24), dbSNP rs2137667778, ClinGen allele CA2573149527.